The following is an entry in ClinVar:

NM_013262.4(MYLIP):c.721G>A (p.Val241Ile)

Gene: MYLIP (myosin regulatory light chain interacting protein; plus strand). Cytogenetic location: 6p22.3.
Variant type: single nucleotide variant.
Coding change: c.721G>A on transcript NM_013262.4 (MANE Select); coding-DNA position 721, G replaced by A.
Protein change: p.Val241Ile; replaces valine 241 with isoleucine.
Molecular consequence: missense variant.
Genome position (GRCh38, 1-based): chr6:16,143,757, G>A. VCF-style: chr6-16143757-G-A. GRCh37 (hg19) VCF-style: chr6-16143988-G-A.
Other names: short protein forms V241I.
Identifiers: ClinVar variation 3054456 (VCV003054456.2), dbSNP rs112824443, ClinGen allele CA134850448.

ClinVar aggregate classification (germline): Uncertain significance (0 of 4 stars; one submission).

Conditions:
MYLIP-related disorder. Also called: MYLIP-related condition.

Allele frequency attached by ClinVar (database versions not stated): TOPMed below 0.00001; gnomAD exomes 0.00001.

Submission:

PreventionGenetics, part of Exact Sciences
Classification: Uncertain significance for MYLIP-related condition. Last evaluated: 2024-01-08. Review status: no assertion criteria provided. Collection method: clinical testing. Allele origin: germline.
Comment: The MYLIP c.721G>A variant is predicted to result in the amino acid substitution p.Val241Ile. To our knowledge, this variant has not been reported in the literature. This variant is reported in 0.012% of alleles in individuals of African descent in gnomAD. At this time, the clinical significance of this variant is uncertain due to the absence of conclusive functional and genetic evidence.